The following is an entry in ClinVar:

ClinVar aggregate classification (germline): Uncertain significance (1 of 4 stars; one submission).

Conditions:
Tuberous sclerosis 2 (TSC2). Identifiers: Orphanet 805, MedGen C1860707, MONDO:0013199, OMIM 613254.

Submission:

Labcorp Genetics (formerly Invitae), Labcorp
Classification: Uncertain significance for Tuberous sclerosis 2. Last evaluated: 2025-03-19. Review status: criteria provided, single submitter. Criteria: Invitae Variant Classification Sherloc (09022015). Collection method: clinical testing. Allele origin: germline.
Comment: This sequence change replaces valine, which is neutral and non-polar, with aspartic acid, which is acidic and polar, at codon 1669 of the TSC2 protein (p.Val1669Asp). Information on the frequency of this variant in the gnomAD database is not available, as this variant may be reported differently in the database. This variant has not been reported in the literature in individuals affected with TSC2-related conditions. An algorithm developed to predict the effect of missense changes on protein structure and function (PolyPhen-2) suggests that this variant is likely to be disruptive. In summary, the available evidence is currently insufficient to determine the role of this variant in disease. Therefore, it has been classified as a Variant of Uncertain Significance.

NM_000548.5(TSC2):c.5006_5007delinsAT (p.Val1669Asp)

Gene: TSC2 (TSC complex subunit 2; plus strand). Cytogenetic location: 16p13.3.
Variant type: Indel.
Coding change: c.5006_5007delinsAT on transcript NM_000548.5 (MANE Select); coding-DNA positions 5006 to 5007, TC replaced by AT.
Protein change: p.Val1669Asp; replaces valine 1669 with aspartic acid.
Molecular consequence: missense variant. On other transcripts: non-coding transcript variant (5).
Genome position (GRCh38, 1-based): chr16:2,087,879-2,087,880, TC replaced by AT. VCF-style: chr16-2087879-TC-AT. GRCh37 (hg19) VCF-style: chr16-2137880-TC-AT.
Other names: c.4937_4938delinsAT, p.Val1646Asp (NM_001114382.3); c.4697_4698delinsAT, p.Val1566Asp (NM_001318827.2); c.4661_4662delinsAT, p.Val1554Asp (NM_001318829.2); c.4274_4275delinsAT, p.Val1425Asp (NM_001318831.2); c.4838_4839delinsAT, p.Val1613Asp (NM_001318832.2); c.4808_4809delinsAT, p.Val1603Asp (NM_001363528.2); c.4874_4875delinsAT, p.Val1625Asp (NM_001370404.1); c.4877_4878delinsAT, p.Val1626Asp (NM_001370405.1, NM_021055.3); and 26 more; short protein forms V1599D, V1603D, V1626D, V1632D, V1669D, V1155D, V1402D, V1403D.
Identifiers: ClinVar variation 4715447 (VCV004715447.1).